The following is an entry in ClinVar:

NM_005687.5(FARSB):c.508C>T (p.Pro170Ser)

Gene: FARSB (phenylalanyl-tRNA synthetase subunit beta; minus strand). Cytogenetic location: 2q36.1.
Variant type: single nucleotide variant.
Coding change: c.508C>T on transcript NM_005687.5 (MANE Select); coding-DNA position 508, C replaced by T.
Protein change: p.Pro170Ser; replaces proline 170 with serine.
Molecular consequence: missense variant. On other transcripts: non-coding transcript variant (1).
Genome position (GRCh38, 1-based): chr2:222,634,489, G>A on the plus strand (C>T on the coding strand, the complement: FARSB is on the minus strand). VCF-style: chr2-222634489-G-A. GRCh37 (hg19) VCF-style: chr2-223499208-G-A.
Other names: c.508C>T (NM_005687.3); short protein forms P170S.
Identifiers: ClinVar variation 2045777 (VCV002045777.2), dbSNP rs754046489, ClinGen allele CA2136636.

ClinVar aggregate classification (germline): Uncertain significance. Review status: criteria provided, multiple submitters, no conflicts (2 of 4 stars). 2 submissions from 2 submitters: Uncertain significance (2). Last evaluated 2025-05-29.

Conditions:
Inborn genetic diseases. Identifiers: MedGen C0950123, MeSH D030342.

Allele frequency attached by ClinVar (database versions not stated): gnomAD exomes 0.00008; ExAC 0.00012; TOPMed 0.00008; gnomAD 0.00001.
gnomAD v4.1: 48 of 1,612,764 alleles (0.003%); highest among the groups gnomAD compares: Admixed American, 0.075%; no homozygotes.

Submissions (2):

Ambry Genetics
Classification: Uncertain significance for Inborn genetic diseases. Last evaluated: 2025-05-29. Review status: criteria provided, single submitter. Criteria: Ambry Variant Classification Scheme 2023. Collection method: clinical testing. Allele origin: germline.

Labcorp Genetics (formerly Invitae), Labcorp
Classification: Uncertain significance. Last evaluated: 2021-12-19. Review status: criteria provided, single submitter. Criteria: Invitae Variant Classification Sherloc (09022015). Collection method: clinical testing. Allele origin: germline.
Comment: This sequence change replaces proline, which is neutral and non-polar, with serine, which is neutral and polar, at codon 170 of the FARSB protein (p.Pro170Ser). This variant is present in population databases (rs754046489, gnomAD 0.1%). This variant has not been reported in the literature in individuals affected with FARSB-related conditions. Algorithms developed to predict the effect of missense changes on protein structure and function (SIFT, PolyPhen-2, Align-GVGD) all suggest that this variant is likely to be disruptive. In summary, the available evidence is currently insufficient to determine the role of this variant in disease. Therefore, it has been classified as a Variant of Uncertain Significance.